The following is an entry in ClinVar:

NM_031892.3(SH3KBP1):c.1721del (p.Leu574fs)

Gene: SH3KBP1 (SH3 domain containing kinase binding protein 1; minus strand). Cytogenetic location: Xp22.12.
Variant type: Deletion.
Coding change: c.1721del on transcript NM_031892.3 (MANE Select); coding-DNA position 1721, one base deleted (T; older notation c.1721delT).
Protein change: p.Leu574fs; shifts the reading frame from leucine 574.
Molecular consequence: frameshift variant.
Genome position (GRCh38, 1-based): chrX:19,542,096, A deleted on the plus strand (T on the coding strand, the reverse complement: SH3KBP1 is on the minus strand). VCF-style (leftmost placement, unchanged base first): chrX-19542095-CA-C. GRCh37 (hg19) VCF-style: chrX-19560213-CA-C.
Other names: c.1610del, p.Leu537fs (NM_001024666.3); c.1007del, p.Leu336fs (NM_001184960.2); c.1592del, p.Leu531fs (NM_001353890.2); c.1796del, p.Leu599fs (NM_001353891.2); c.1667del, p.Leu556fs (NM_001353892.2); c.1619del, p.Leu540fs (NM_001353893.2); c.1490del, p.Leu497fs (NM_001353894.2); c.1547del, p.Leu516fs (NM_001353895.2); and 4 more; short protein forms L293fs, L540fs, L556fs, L336fs, L497fs, L537fs, L575fs, L531fs.
Identifiers: ClinVar variation 2800841 (VCV002800841.3), dbSNP rs2064928243, ClinGen allele CA2418297351.

ClinVar aggregate classification (germline): Uncertain significance (1 of 4 stars; one submission).

Submission:

Labcorp Genetics (formerly Invitae), Labcorp
Classification: Uncertain significance. Last evaluated: 2022-11-02. Review status: criteria provided, single submitter. Criteria: Invitae Variant Classification Sherloc (09022015). Collection method: clinical testing. Allele origin: germline.
Comment: In summary, the available evidence is currently insufficient to determine the role of this variant in disease. Therefore, it has been classified as a Variant of Uncertain Significance. This variant has not been reported in the literature in individuals affected with SH3KBP1-related conditions. This variant is not present in population databases (gnomAD no frequency). This sequence change creates a premature translational stop signal (p.Leu574Argfs*39) in the SH3KBP1 gene. It is expected to result in an absent or disrupted protein product. However, the current clinical and genetic evidence is not sufficient to establish whether loss-of-function variants in SH3KBP1 cause disease.